The following is an entry in ClinVar:

ClinVar aggregate classification (germline): Likely benign (0 of 4 stars; one submission).

Conditions:
CSMD3-related disorder. Also called: CSMD3-related condition.

Allele frequency attached by ClinVar (database versions not stated): gnomAD 0.00013; ESP Exome Variant Server 0.00015; TOPMed 0.00015; ExAC 0.00016.
gnomAD v4.1: 262 of 1,575,900 alleles (0.017%); highest among the groups gnomAD compares: Middle Eastern, 0.13%; no homozygotes.

Submission:

PreventionGenetics, part of Exact Sciences
Classification: Likely benign for CSMD3-related condition. Last evaluated: 2019-10-28. Review status: no assertion criteria provided. Collection method: clinical testing. Allele origin: germline.
Comment: This variant is classified as likely benign based on ACMG/AMP sequence variant interpretation guidelines (Richards et al. 2015 PMID: 25741868, with internal and published modifications).

NM_198123.2(CSMD3):c.7549+7A>G

Gene: CSMD3 (CUB and Sushi multiple domains 3; minus strand). Cytogenetic location: 8q23.3.
Variant type: single nucleotide variant.
Coding change: c.7549+7A>G on transcript NM_198123.2 (MANE Select); 7 bases into the intron after coding-DNA position 7549, A replaced by G.
Molecular consequence: intron variant.
Genome position (GRCh38, 1-based): chr8:112,314,422, T>C on the plus strand (A>G on the coding strand, the complement: CSMD3 is on the minus strand). VCF-style: chr8-112314422-T-C. GRCh37 (hg19) VCF-style: chr8-113326651-T-C.
Other names: c.6949+7A>G (NM_001363185.1); c.7237+7A>G (NM_052900.3); c.7429+7A>G (NM_198124.2).
Identifiers: ClinVar variation 3045714 (VCV003045714.2), dbSNP rs201703880, ClinGen allele CA4849255.
Genomic context (GRCh38, chr8:112,314,422, plus strand): 5'-TTTACATGTATAATTAGAACATTTGTACTTAATTGATGAATATCCAATAAATATAACCCT[T>C]GGTTACCATCATACACCTGAAGAACATCAAATTCCTTTTCTGTCTGGAAGAATTCTACAA-3'